The following is an entry in ClinVar:

NM_001277115.2(DNAH11):c.4425C>A (p.Tyr1475Ter)

Gene: DNAH11 (dynein axonemal heavy chain 11; plus strand). Cytogenetic location: 7p15.3.
Variant type: single nucleotide variant.
Coding change: c.4425C>A on transcript NM_001277115.2 (MANE Select); coding-DNA position 4425, C replaced by A.
Protein change: p.Tyr1475Ter; replaces tyrosine 1475 with a stop codon.
Molecular consequence: nonsense.
Genome position (GRCh38, 1-based): chr7:21,620,003, C>A. VCF-style: chr7-21620003-C-A. GRCh37 (hg19) VCF-style: chr7-21659621-C-A.
Other names: NM_001277115.2(DNAH11):c.4425C>A; p.Tyr1475Ter; c.4440C>A, p.Tyr1480Ter (NM_003777.3); short protein forms Y1475*, Y1480*.
Identifiers: ClinVar variation 1740508 (VCV001740508.3), dbSNP rs373706559, ClinGen allele CA4180043.

ClinVar aggregate classification (germline): Pathogenic. Review status: criteria provided, multiple submitters, no conflicts (2 of 4 stars). 2 submissions from 2 submitters: Pathogenic (2). Last evaluated 2025-02-12.

Conditions:
Primary ciliary dyskinesia. Also called: Ciliary dyskinesia. Identifiers: Orphanet 244, MedGen C0008780, MONDO:0016575, HP:0012265.
Primary ciliary dyskinesia 7. Also called: CILIARY DYSKINESIA, PRIMARY, 7, WITH OR WITHOUT SITUS INVERSUS. Identifiers: Orphanet 244, MedGen C2678473, MONDO:0012748, OMIM 611884.

gnomAD v4.1: 14 of 1,608,614 alleles (0.00087%); highest among the groups gnomAD compares: South Asian, 0.0011%; no homozygotes.

Submissions (2):

Broad Center for Mendelian Genomics, Broad Institute of MIT and Harvard
Classification: Pathogenic for Primary ciliary dyskinesia 7. Last evaluated: 2025-02-12. Review status: criteria provided, single submitter. Criteria: ACMG Guidelines, 2015. Collection method: curation. Allele origin: germline. Inheritance: Autosomal recessive inheritance.
Comment: The p.Tyr1475Ter variant in DNAH11 has been identified in 2 individuals with primary ciliary dyskinesia (PMID:31772028, 32111882), and has been identified in 0.001% (1/89142) of South Asian chromosomes by the Genome Aggregation Database (gnomAD; dbSNP rs373706559). Although this variant has been seen in the general population in a heterozygous state, its frequency is low enough to be consistent with a recessive carrier frequency. This variant has also been reported in ClinVar (Variation ID: 1740508) and has been interpreted as pathogenic by Ambry Genetics. Of the affected individuals, 1 was a homozygote, which increases the likelihood that the p.Tyr1475Ter variant is pathogenic. This nonsense variant leads to a premature termination codon at position 1475, which is predicted to lead to a truncated or absent protein. Loss of function of the DNAH11 gene is an established disease mechanism in autosomal recessive primary ciliary dyskinesia. In summary, this variant meets criteria to be classified as pathogenic for primary ciliary dyskinesia. ACMG/AMP Criteria applied: PVS1, PM2_supporting, PM3_supporting (Richards 2015).

Ambry Genetics
Classification: Pathogenic for Primary ciliary dyskinesia. Last evaluated: 2015-10-05. Review status: criteria provided, single submitter. Criteria: Ambry Variant Classification Scheme 2023. Collection method: clinical testing. Allele origin: germline.
Comment: The p.Y1475* pathogenic mutation (also known as c.4425C>A), located in coding exon 25 of the DNAH11 gene, results from a C to A substitution at nucleotide position 4425. This changes the amino acid from a tyrosine to a stop codon within coding exon 25. Since premature stop codons are typically deleterious in nature, this alteration is interpreted as a disease-causing mutation (ACMG Recommendations for Standards for Interpretation and Reporting of Sequence Variations. Revision 2007. Genet Med. 2008;10:294).